The following is an entry in ClinVar:

NM_031935.3(HMCN1):c.557A>G (p.Tyr186Cys)

Gene: HMCN1 (hemicentin 1; plus strand). Cytogenetic location: 1q31.1.
Variant type: single nucleotide variant.
Coding change: c.557A>G on transcript NM_031935.3 (MANE Select); coding-DNA position 557, A replaced by G.
Protein change: p.Tyr186Cys; replaces tyrosine 186 with cysteine.
Molecular consequence: missense variant.
Genome position (GRCh38, 1-based): chr1:185,865,799, A>G. VCF-style: chr1-185865799-A-G. GRCh37 (hg19) VCF-style: chr1-185834931-A-G.
Other names: short protein forms Y186C.
Identifiers: ClinVar variation 3772408 (VCV003772408.13).

ClinVar aggregate classification (germline): Uncertain significance (1 of 4 stars; one submission).

gnomAD v4.1: 2 of 1,612,546 alleles (0.00012%); no homozygotes.

Submission:

CeGaT Center for Human Genetics Tuebingen
Classification: Uncertain significance. Last evaluated: 2025-02-01. Review status: criteria provided, single submitter. Criteria: CeGaT Center For Human Genetics Tuebingen Variant Classification Criteria Version 2. Collection method: clinical testing. Allele origin: germline. Affected: yes. Observed: 1 variant allele.
Comment: HMCN1: PM2:Supporting, PP3